The following is an entry in ClinVar:

ClinVar aggregate classification (germline): Pathogenic (1 of 4 stars; one submission).

Submission:

Labcorp Genetics (formerly Invitae), Labcorp
Classification: Pathogenic. Last evaluated: 2022-10-23. Review status: criteria provided, single submitter. Criteria: Invitae Variant Classification Sherloc (09022015). Collection method: clinical testing. Allele origin: unknown.
Comment: For these reasons, this variant has been classified as Pathogenic. This variant has not been reported in the literature in individuals affected with LHX3-related conditions. This variant is a gross deletion of the genomic region encompassing exon(s) 1 of the LHX3 gene, which includes the initiator codon. This deletion extends beyond the assayed region for this gene and therefore may encompass additional genes. It is expected to result in an absent or disrupted protein product. Loss-of-function variants in LHX3 are known to be pathogenic (PMID: 16394081, 18407919).

Literature cited by the submitters: PubMed 16394081; PubMed 18407919.

NC_000009.11:g.(?_139094782)_(139096868_?)del

Gene: LHX3 (LIM homeobox 3; minus strand). Cytogenetic location: 9q34.3.
Variant type: Deletion.
Identifiers: ClinVar variation 3245346 (VCV003245346.1).